The following is an entry in ClinVar:

NM_001005388.3(NFASC):c.3052G>A (p.Val1018Met)

Gene: NFASC (neurofascin; plus strand). Cytogenetic location: 1q32.1.
Variant type: single nucleotide variant.
Coding change: c.3052G>A on transcript NM_001005388.3 (MANE Select); coding-DNA position 3052, G replaced by A.
Protein change: p.Val1018Met; replaces valine 1018 with methionine.
Molecular consequence: missense variant. On other transcripts: intron variant (4).
Genome position (GRCh38, 1-based): chr1:205,001,202, G>A. VCF-style: chr1-205001202-G-A. GRCh37 (hg19) VCF-style: chr1-204970330-G-A.
Other names: c.3373G>A, p.Val1125Met (NM_001378329.1); c.3092-8355G>A (NM_001160332.2); c.3077-8355G>A (NM_015090.4); c.2756-8355G>A (NM_001365986.1); c.3137-8355G>A (NM_001160331.2); short protein forms V1018M, V1125M.
Identifiers: ClinVar variation 2639844 (VCV002639844.24), dbSNP rs2549075023, ClinGen allele CA344382741.

ClinVar aggregate classification (germline): Uncertain significance (1 of 4 stars; one submission).

Submission:

CeGaT Center for Human Genetics Tuebingen
Classification: Uncertain significance. Last evaluated: 2023-08-01. Review status: criteria provided, single submitter. Criteria: CeGaT Center For Human Genetics Tuebingen Variant Classification Criteria Version 2. Collection method: clinical testing. Allele origin: germline. Affected: yes. Observed: 1 variant allele.
Comment: NFASC: PM2